The following is an entry in ClinVar:

ClinVar aggregate classification (germline): Uncertain significance (1 of 4 stars; one submission).

gnomAD v4.1: 2 of 1,526,374 alleles (0.00013%); highest among the groups gnomAD compares: Non-Finnish European, 0.00017%; no homozygotes.

Submission:

Ambry Genetics
Classification: Uncertain significance. Last evaluated: 2024-12-16. Review status: criteria provided, single submitter. Criteria: Ambry Variant Classification Scheme 2023. Collection method: clinical testing. Allele origin: germline.
Comment: The p.S128P variant (also known as c.382T>C), located in coding exon 1 of the PALLD gene, results from a T to C substitution at nucleotide position 382. The serine at codon 128 is replaced by proline, an amino acid with similar properties. This amino acid position is conserved. In addition, this alteration is predicted to be tolerated by in silico analysis. Based on the available evidence, the clinical significance of this variant remains unclear.

NM_001166108.2(PALLD):c.1965-12649T>C

Gene: PALLD (palladin, cytoskeletal associated protein; plus strand). Cytogenetic location: 4q32.3.
Variant type: single nucleotide variant.
Coding change: c.1965-12649T>C on transcript NM_001166108.2 (MANE Select); 12649 bases into the intron before coding-DNA position 1965, T replaced by C.
Molecular consequence: intron variant. On other transcripts: missense variant (1).
Genome position (GRCh38, 1-based): chr4:168,878,273, T>C. VCF-style: chr4-168878273-T-C. GRCh37 (hg19) VCF-style: chr4-169799424-T-C.
Other names: c.382T>C, p.Ser128Pro (NM_001166110.2); c.1965-12649T>C (NM_016081.4); c.819-12649T>C (NM_001166109.2); c.-157-12649T>C (NM_001367570.1, NM_001367568.1, NM_001367567.1 and 1 more transcripts); short protein forms S128P.
Identifiers: ClinVar variation 3885274 (VCV003885274.1).